The following is an entry in ClinVar:

ClinVar aggregate classification (germline): Conflicting classifications of pathogenicity. Review status: criteria provided, conflicting classifications (1 of 4 stars). 2 submissions from 2 submitters: Uncertain significance (1); Likely benign (1). Last evaluated 2025-02-20.

Conditions:
Congenital contractures of the limbs and face, hypotonia, and developmental delay (CLIFAHDD). Identifiers: Orphanet 562528, MedGen C4225398, MONDO:0014556, OMIM 616266.

Allele frequency attached by ClinVar (database versions not stated): gnomAD exomes below 0.00001.

Submissions (2):

GeneDx
Classification: Uncertain significance. Last evaluated: 2025-02-20. Review status: criteria provided, single submitter. Criteria: GeneDx Variant Classification Process June 2021. Collection method: clinical testing. Allele origin: germline. Affected: yes.
Comment: Not observed at significant frequency in large population cohorts (gnomAD); In silico analysis supports that this missense variant has a deleterious effect on protein structure/function; Has not been previously published as pathogenic or benign to our knowledge

Institute of Human Genetics, University of Leipzig Medical Center
Classification: Likely benign for Congenital contractures of the limbs and face, hypotonia, and developmental delay. Last evaluated: 2022-10-26. Review status: criteria provided, single submitter. Criteria: ACMG Guidelines, 2015. Collection method: clinical testing. Allele origin: paternal. Affected: yes.
Comment: It was therefore classified as likely benign. Criteria applied: PM1, PM2_SUP, PP2, PP3, BS2, BP5

NM_052867.4(NALCN):c.928G>A (p.Ala310Thr)

Gene: NALCN (sodium leak channel, non-selective; minus strand). Cytogenetic location: 13q33.1.
Variant type: single nucleotide variant.
Coding change: c.928G>A on transcript NM_052867.4 (MANE Select); coding-DNA position 928, G replaced by A.
Protein change: p.Ala310Thr; replaces alanine 310 with threonine.
Molecular consequence: missense variant.
Genome position (GRCh38, 1-based): chr13:101,292,238, C>T on the plus strand (G>A on the coding strand, the complement: NALCN is on the minus strand). VCF-style: chr13-101292238-C-T. GRCh37 (hg19) VCF-style: chr13-101944589-C-T.
Other names: c.928G>A, p.Ala310Thr (NM_001350748.2, NM_001350749.2, NM_001350750.2 and 1 more transcripts); c.928G>A (NM_052867.2); short protein forms A310T.
Identifiers: ClinVar variation 1712341 (VCV001712341.2), dbSNP rs200510423, ClinGen allele CA388704902.